The following is an entry in ClinVar:

ClinVar aggregate classification (germline): Uncertain significance. Review status: criteria provided, multiple submitters, no conflicts (2 of 4 stars). 4 submissions from 4 submitters: Uncertain significance (4). Last evaluated 2026-07-08.

Conditions:
Lynch syndrome. Identifiers: Orphanet 144, MedGen C4552100, MONDO:0005835. Disease mechanism: loss of function.
Hereditary nonpolyposis colorectal neoplasms. Identifiers: MedGen C0009405, MeSH D003123.
Hereditary cancer-predisposing syndrome. Also called: Tumor predisposition; Hereditary Cancer Syndrome; Hereditary neoplastic syndrome; Neoplastic Syndromes, Hereditary. Identifiers: Orphanet 140162, MedGen C0027672, MeSH D009386, MONDO:0015356.

Allele frequency attached by ClinVar (database versions not stated): TOPMed below 0.00001.

Submissions (4):

Ambry Genetics
Classification: Uncertain significance for Hereditary cancer-predisposing syndrome. Last evaluated: 2026-07-08. Review status: criteria provided, single submitter. Criteria: Ambry Variant Classification Scheme 2023. Collection method: clinical testing. Allele origin: germline.

Labcorp Genetics (formerly Invitae), Labcorp
Classification: Uncertain significance for Hereditary nonpolyposis colorectal neoplasms. Last evaluated: 2025-10-28. Review status: criteria provided, single submitter. Criteria: Invitae Variant Classification Sherloc (09022015). Collection method: clinical testing. Allele origin: germline.
Comment: This sequence change replaces proline, which is neutral and non-polar, with leucine, which is neutral and non-polar, at codon 470 of the PMS2 protein (p.Pro470Leu). This variant is not present in population databases (gnomAD no frequency). This variant has not been reported in the literature in individuals affected with PMS2-related conditions. ClinVar contains an entry for this variant (Variation ID: 1046169). Invitae Evidence Modeling incorporating data from in vitro experimental studies (internal data) indicates that this missense variant is not expected to disrupt PMS2 function with a negative predictive value of 95%. In summary, the available evidence is currently insufficient to determine the role of this variant in disease. Therefore, it has been classified as a Variant of Uncertain Significance.

Color Diagnostics, LLC DBA Color Health
Classification: Uncertain significance for Hereditary cancer-predisposing syndrome. Last evaluated: 2025-10-21. Review status: criteria provided, single submitter. Criteria: ACMG Guidelines, 2015. Collection method: clinical testing. Allele origin: germline.
Comment: This missense variant replaces proline with leucine at codon 470 of the PMS2 protein. Computational prediction suggests that this variant may not impact protein structure and function. To our knowledge, functional studies have not been reported for this variant. This variant has not been reported in individuals affected with PMS2-related disorders in the literature. This variant has not been identified in the general population by the Genome Aggregation Database (gnomAD). The available evidence is insufficient to determine the role of this variant in disease conclusively. Therefore, this variant is classified as a Variant of Uncertain Significance.

All of Us Research Program, National Institutes of Health
Classification: Uncertain significance for Lynch syndrome. Last evaluated: 2023-04-03. Review status: criteria provided, single submitter. Criteria: ACMG Guidelines, 2015. Collection method: clinical testing. Allele origin: germline. Inheritance: Autosomal dominant inheritance. Observed: 1 variant allele, 1 heterozygote.
Comment: This missense variant replaces proline with leucine at codon 470 of the PMS2 protein. Computational prediction suggests that this variant may not impact protein structure and function (internally defined REVEL score threshold <= 0.5, PMID: 27666373). To our knowledge, functional studies have not been reported for this variant. This variant has not been reported in individuals affected with PMS2-related disorders in the literature. This variant has not been identified in the general population by the Genome Aggregation Database (gnomAD). The available evidence is insufficient to determine the role of this variant in disease conclusively. Therefore, this variant is classified as a Variant of Uncertain Significance.

This study involves interpretation of variants in research participants for the purpose of population health screening. Participant phenotype was not available at the time of variant classification. Additional details can be found in publication PMID: 35346344, PMCID: PMC8962531

NM_000535.7(PMS2):c.1409C>T (p.Pro470Leu)

Gene: PMS2 (PMS1 homolog 2, mismatch repair system component; minus strand). Cytogenetic location: 7p22.1.
Variant type: single nucleotide variant.
Coding change: c.1409C>T on transcript NM_000535.7 (MANE Select); coding-DNA position 1409, C replaced by T.
Protein change: p.Pro470Leu; replaces proline 470 with leucine.
Molecular consequence: missense variant. On other transcripts: non-coding transcript variant (1).
Genome position (GRCh38, 1-based): chr7:5,987,356, G>A on the plus strand (C>T on the coding strand, the complement: PMS2 is on the minus strand). VCF-style: chr7-5987356-G-A. GRCh37 (hg19) VCF-style: chr7-6026987-G-A.
Other names: c.1004C>T, p.Pro335Leu (NM_001322003.2, NM_001322004.2, NM_001322005.2 and 1 more transcripts); c.1253C>T, p.Pro418Leu (NM_001322006.2); c.1091C>T, p.Pro364Leu (NM_001322007.2, NM_001322008.2); c.848C>T, p.Pro283Leu (NM_001322010.2); c.476C>T, p.Pro159Leu (NM_001322011.2, NM_001322012.2); c.836C>T, p.Pro279Leu (NM_001322013.2); c.1409C>T, p.Pro470Leu (NM_001322014.2); c.1100C>T, p.Pro367Leu (NM_001322015.2); and 1 more; short protein forms P364L, P367L, P279L, P159L, P283L, P470L, P335L, P418L.
Identifiers: ClinVar variation 1046169 (VCV001046169.13), dbSNP rs1783101060, ClinGen allele CA366742084.